The following is an entry in ClinVar:

ClinVar aggregate classification (germline): Uncertain significance (1 of 4 stars; one submission).

Allele frequency attached by ClinVar (database versions not stated): ExAC 0.00002; gnomAD exomes 0.00002; TOPMed 0.00006; gnomAD 0.00007; 1000 Genomes Project 30x 0.00016; 1000 Genomes Project 0.00020.
gnomAD v4.1: 27 of 1,604,126 alleles (0.0017%); highest among the groups gnomAD compares: Middle Eastern, 0.083%; no homozygotes.

Submission:

Labcorp Genetics (formerly Invitae), Labcorp
Classification: Uncertain significance. Last evaluated: 2022-05-08. Review status: criteria provided, single submitter. Criteria: Invitae Variant Classification Sherloc (09022015). Collection method: clinical testing. Allele origin: germline.
Comment: This sequence change falls in intron 48 of the LAMA5 gene. It does not directly change the encoded amino acid sequence of the LAMA5 protein. It affects a nucleotide within the consensus splice site. This variant is present in population databases (rs576759483, gnomAD 0.002%). This variant has not been reported in the literature in individuals affected with LAMA5-related conditions. Variants that disrupt the consensus splice site are a relatively common cause of aberrant splicing (PMID: 17576681, 9536098). Algorithms developed to predict the effect of sequence changes on RNA splicing suggest that this variant is not likely to affect RNA splicing. In summary, the available evidence is currently insufficient to determine the role of this variant in disease. Therefore, it has been classified as a Variant of Uncertain Significance.

Literature cited by the submitters: PubMed 17576681; PubMed 9536098.

NM_005560.6(LAMA5):c.6497-3C>T

Gene: LAMA5 (laminin subunit alpha 5; minus strand). Cytogenetic location: 20q13.33.
Variant type: single nucleotide variant.
Coding change: c.6497-3C>T on transcript NM_005560.6 (MANE Select); 3 bases into the intron before coding-DNA position 6497, C replaced by T.
Molecular consequence: intron variant.
Genome position (GRCh38, 1-based): chr20:62,320,893, G>A on the plus strand (C>T on the coding strand, the complement: LAMA5 is on the minus strand). VCF-style: chr20-62320893-G-A. GRCh37 (hg19) VCF-style: chr20-60895949-G-A.
Identifiers: ClinVar variation 2082872 (VCV002082872.4), dbSNP rs576759483, ClinGen allele CA9941697.
Genomic context (GRCh38, chr20:62,320,893, plus strand): 5'-AGGAGGGCGCCGGCCCGTTCCAGGTCATCCAGGAGCAGGACCACACAGTGGTCACACACT[G>A]CAGGCGATGTGGGGTCACAGGTCAGTGTCATTGGGTCAGGCCAGGGGAGAATGATCAGCT-3'